The following is an entry in ClinVar:

ClinVar aggregate classification (germline): Uncertain significance (1 of 4 stars; one submission).

Conditions:
Tuberous sclerosis 2 (TSC2). Identifiers: Orphanet 805, MedGen C1860707, MONDO:0013199, OMIM 613254.

Submission:

Labcorp Genetics (formerly Invitae), Labcorp
Classification: Uncertain significance for Tuberous sclerosis 2. Last evaluated: 2023-01-28. Review status: criteria provided, single submitter. Criteria: Invitae Variant Classification Sherloc (09022015). Collection method: clinical testing. Allele origin: germline.
Comment: In summary, the available evidence is currently insufficient to determine the role of this variant in disease. Therefore, it has been classified as a Variant of Uncertain Significance. Advanced modeling of protein sequence and biophysical properties (such as structural, functional, and spatial information, amino acid conservation, physicochemical variation, residue mobility, and thermodynamic stability) performed at Invitae indicates that this missense variant is not expected to disrupt TSC2 protein function. This variant has not been reported in the literature in individuals affected with TSC2-related conditions. This variant is not present in population databases (gnomAD no frequency). This sequence change replaces histidine, which is basic and polar, with asparagine, which is neutral and polar, at codon 1135 of the TSC2 protein (p.His1135Asn).

NM_000548.5(TSC2):c.3403C>A (p.His1135Asn)

Gene: TSC2 (TSC complex subunit 2; plus strand). Cytogenetic location: 16p13.3.
Variant type: single nucleotide variant.
Coding change: c.3403C>A on transcript NM_000548.5 (MANE Select); coding-DNA position 3403, C replaced by A.
Protein change: p.His1135Asn; replaces histidine 1135 with asparagine.
Molecular consequence: missense variant. On other transcripts: non-coding transcript variant (5).
Genome position (GRCh38, 1-based): chr16:2,080,170, C>A. VCF-style: chr16-2080170-C-A. GRCh37 (hg19) VCF-style: chr16-2130171-C-A.
Other names: c.3271C>A, p.His1091Asn (NM_001077183.3, NM_001370404.1, NM_001406665.1); c.3403C>A, p.His1135Asn (NM_001114382.3); c.3163C>A, p.His1055Asn (NM_001318827.2); c.3127C>A, p.His1043Asn (NM_001318829.2); c.2671C>A, p.His891Asn (NM_001318831.2, NM_001406687.1, NM_001406688.1); c.3304C>A, p.His1102Asn (NM_001318832.2); c.3274C>A, p.His1092Asn (NM_001363528.2, NM_001370405.1, NM_021055.3); c.3400C>A, p.His1134Asn (NM_001406663.1, NM_001406664.1); and 18 more; short protein forms H1072N, H1091N, H1121N, H1122N, H1134N, H1135N, H644N, H687N.
Identifiers: ClinVar variation 2832596 (VCV002832596.3), dbSNP rs2151455693, ClinGen allele CA394288366.